The following is an entry in ClinVar:

NM_153026.3(PRICKLE1):c.1406C>G (p.Ser469Cys)

Gene: PRICKLE1 (prickle planar cell polarity protein 1; minus strand). Cytogenetic location: 12q12.
Variant type: single nucleotide variant.
Coding change: c.1406C>G on transcript NM_153026.3 (MANE Select); coding-DNA position 1406, C replaced by G.
Protein change: p.Ser469Cys; replaces serine 469 with cysteine.
Molecular consequence: missense variant.
Genome position (GRCh38, 1-based): chr12:42,464,628, G>C on the plus strand (C>G on the coding strand, the complement: PRICKLE1 is on the minus strand). VCF-style: chr12-42464628-G-C. GRCh37 (hg19) VCF-style: chr12-42858430-G-C.
Other names: c.1406C>G, p.Ser469Cys (NM_001144881.2, NM_001144882.2, NM_001144883.2); short protein forms S469C.
Identifiers: ClinVar variation 1053657 (VCV001053657.9), dbSNP rs751326939, ClinGen allele CA6519753.
Genomic context (GRCh38, chr12:42,464,628, plus strand): 5'-GGGTGGCTGCCATAAGCAGAATCGCCCAGTCCATCTTGTGACTGTGCCCAGTACATATCA[G>C]ACTGGTATTTTTTACTTGCAAGGCTCTGGTTATTTTGCTTTAACTCGGTCTTACTTTTAA-3'
Protein context (NP_694571.2, residues 459-479): NQSLASKKYQ[Ser469Cys]DMYWAQSQDG

ClinVar aggregate classification (germline): Uncertain significance (1 of 4 stars; one submission).

Conditions:
Epilepsy, progressive myoclonic, 1B. Also called: PME. Identifiers: Orphanet 308, MedGen C2676254, MONDO:0012904, OMIM 612437.

Allele frequency attached by ClinVar (database versions not stated): gnomAD exomes below 0.00001; ExAC 0.00001; gnomAD 0.00001; TOPMed 0.00001.
gnomAD v4.1: 6 of 1,613,816 alleles (0.00037%); highest among the groups gnomAD compares: Non-Finnish European, 0.00051%; no homozygotes.

Submission:

Labcorp Genetics (formerly Invitae), Labcorp
Classification: Uncertain significance for Epilepsy, progressive myoclonic, 1B. Last evaluated: 2020-08-31. Review status: criteria provided, single submitter. Criteria: Invitae Variant Classification Sherloc (09022015). Collection method: clinical testing. Allele origin: germline.
Comment: In summary, the available evidence is currently insufficient to determine the role of this variant in disease. Therefore, it has been classified as a Variant of Uncertain Significance. Algorithms developed to predict the effect of missense changes on protein structure and function are either unavailable or do not agree on the potential impact of this missense change (SIFT: "Deleterious"; PolyPhen-2: "Possibly Damaging"; Align-GVGD: "Class C15"). This variant has not been reported in the literature in individuals with PRICKLE1-related conditions. This variant is present in population databases (rs751326939, ExAC 0.001%). This sequence change replaces serine with cysteine at codon 469 of the PRICKLE1 protein (p.Ser469Cys). The serine residue is highly conserved and there is a moderate physicochemical difference between serine and cysteine.